The following is an entry in ClinVar:

NM_001009944.3(PKD1):c.3543T>A (p.Tyr1181Ter)

Gene: PKD1 (polycystin 1, transient receptor potential channel interacting; minus strand). Cytogenetic location: 16p13.3.
Variant type: single nucleotide variant.
Coding change: c.3543T>A on transcript NM_001009944.3 (MANE Select); coding-DNA position 3543, T replaced by A.
Protein change: p.Tyr1181Ter; replaces tyrosine 1181 with a stop codon.
Molecular consequence: nonsense.
Genome position (GRCh38, 1-based): chr16:2,111,624, A>T on the plus strand (T>A on the coding strand, the complement: PKD1 is on the minus strand). VCF-style: chr16-2111624-A-T. GRCh37 (hg19) VCF-style: chr16-2161625-A-T.
Other names: c.3543T>A, p.Tyr1181Ter (NM_000296.4); short protein forms Y1181*.
Identifiers: ClinVar variation 369967 (VCV000369967.26), dbSNP rs1057516206, ClinGen allele CA10654923.

ClinVar aggregate classification (germline): Pathogenic. Review status: criteria provided, single submitter (1 of 4 stars). 2 submissions from 2 submitters: Pathogenic (1). 1 of the submissions does not count toward it. Last evaluated 2023-10-01.

Conditions:
Polycystic kidney disease, adult type (PKD1). Also called: Polycystic Kidney Disease 1, Autosomal Dominant; Polycystic kidney disease 1; Polycystic kidney disease 1, severe; POLYCYSTIC KIDNEY DISEASE 1 WITH OR WITHOUT POLYCYSTIC LIVER DISEASE; POLYCYSTIC KIDNEY DISEASE, ADULT, TYPE I; Polycystic Kidney, Autosomal Dominant. Identifiers: MedGen C3149841, MONDO:0008263, OMIM 173900.

Submissions (2):

CeGaT Center for Human Genetics Tuebingen
Classification: Pathogenic. Last evaluated: 2023-10-01. Review status: criteria provided, single submitter. Criteria: CeGaT Center For Human Genetics Tuebingen Variant Classification Criteria Version 2. Collection method: clinical testing. Allele origin: germline. Affected: yes. Observed: 1 variant allele.
Comment: PKD1: PVS1, PM2

Bioscientia Institut fuer Medizinische Diagnostik GmbH, Sonic Healthcare
Classification: Pathogenic for Polycystic kidney disease, adult type. Review status: no assertion criteria provided. Collection method: clinical testing. Allele origin: germline. Affected: yes. Not counted in ClinVar's aggregate classification.